The following is an entry in ClinVar:

NM_201384.3(PLEC):c.3136G>A (p.Glu1046Lys)

Gene: PLEC (plectin; minus strand). Cytogenetic location: 8q24.3.
Variant type: single nucleotide variant.
Coding change: c.3136G>A on transcript NM_201384.3 (MANE Select); coding-DNA position 3136, G replaced by A.
Protein change: p.Glu1046Lys; replaces glutamic acid 1046 with lysine.
Molecular consequence: missense variant.
Genome position (GRCh38, 1-based): chr8:143,929,227, C>T on the plus strand (G>A on the coding strand, the complement: PLEC is on the minus strand). VCF-style: chr8-143929227-C-T. GRCh37 (hg19) VCF-style: chr8-145003395-C-T.
Other names: c.3217G>A, p.Glu1073Lys (NM_000445.5); c.3094G>A, p.Glu1032Lys (NM_201378.4); c.3070G>A, p.Glu1024Lys (NM_201379.3); c.3547G>A, p.Glu1183Lys (NM_201380.4); c.3040G>A, p.Glu1014Lys (NM_201381.3); c.3136G>A, p.Glu1046Lys (NM_201382.4); c.3148G>A, p.Glu1050Lys (NM_201383.3); short protein forms E1046K, E1183K, E1014K, E1073K, E1032K, E1050K, E1024K.
Identifiers: ClinVar variation 290649 (VCV000290649.13), dbSNP rs781823745, ClinGen allele CA4927194.

ClinVar aggregate classification (germline): Uncertain significance. Review status: criteria provided, multiple submitters, no conflicts (2 of 4 stars). 3 submissions from 3 submitters: Uncertain significance (3). Last evaluated 2025-07-02.

Conditions:
Junctional epidermolysis bullosa with pyloric atresia. Also called: APLASIA CUTIS CONGENITA WITH GASTROINTESTINAL ATRESIA; CARMI SYNDROME; EB-PA-ACC; Epidermolysis bullosa, junctional, with pyloric atresia and aplasia cutis congenita; Epidermolysis bullosa junctionalis with pyloric atresia; Junctional Epidermolysis Bullosa- Pyloric Atresia Syndrome. Identifiers: Orphanet 79403, MedGen C5676875, MONDO:0009183, OMIM 226730.
Epidermolysis bullosa simplex, Ogna type (EBS5A). Also called: Pidermolysis bullosa simplex 5A, Ogna type; EPIDERMOLYSIS BULLOSA SIMPLEX 5A, OGNA TYPE. Identifiers: Orphanet 79401, MedGen C0432317, MONDO:0007555, OMIM 131950.
Epidermolysis bullosa simplex 5C, with pyloric atresia (EBS5C). Also called: PLEC-Related Epidermolysis Bullosa with Pyloric Atresia; Epidermolysis bullosa simplex with pyloric atresia; PLEC1-Related Epidermolysis Bullosa with Pyloric Atresia. Identifiers: Orphanet 158684, MedGen C2677349, MONDO:0012807, OMIM 612138.
Autosomal recessive limb-girdle muscular dystrophy type 2Q (LGMDR17). Also called: MUSCULAR DYSTROPHY, LIMB-GIRDLE, AUTOSOMAL RECESSIVE 17. Identifiers: Orphanet 254361, MedGen C3150989, MONDO:0013390, OMIM 613723.
Epidermolysis bullosa simplex 5B, with muscular dystrophy (EBS5B). Also called: EPIDERMOLYSIS BULLOSA SIMPLEX AND LIMB-GIRDLE MUSCULAR DYSTROPHY; Epidermolysis bullosa simplex with muscular dystrophy. Identifiers: Orphanet 257, MedGen C2931072, MONDO:0009181, OMIM 226670.
Epidermolysis bullosa simplex with nail dystrophy (EBS5D). Identifiers: MedGen C4225309, MONDO:0014661, OMIM 616487.

Allele frequency attached by ClinVar (database versions not stated): ExAC 0.00001; gnomAD exomes 0.00001; TOPMed 0.00001.
gnomAD v4.1: 22 of 1,602,550 alleles (0.0014%); highest among the groups gnomAD compares: Admixed American, 0.0034%; no homozygotes.

Submissions (3):

Labcorp Genetics (formerly Invitae), Labcorp
Classification: Uncertain significance for Autosomal recessive limb-girdle muscular dystrophy type 2Q; Epidermolysis bullosa simplex, Ogna type; Epidermolysis bullosa simplex with nail dystrophy; Epidermolysis bullosa simplex 5C, with pyloric atresia; Epidermolysis bullosa simplex 5B, with muscular dystrophy. Last evaluated: 2025-07-02. Review status: criteria provided, single submitter. Criteria: Invitae Variant Classification Sherloc (09022015). Collection method: clinical testing. Allele origin: germline.
Comment: This sequence change replaces glutamic acid, which is acidic and polar, with lysine, which is basic and polar, at codon 1073 of the PLEC protein (p.Glu1073Lys). This variant is present in population databases (rs781823745, gnomAD 0.006%). This variant has not been reported in the literature in individuals affected with PLEC-related conditions. ClinVar contains an entry for this variant (Variation ID: 290649). Invitae Evidence Modeling of protein sequence and biophysical properties (such as structural, functional, and spatial information, amino acid conservation, physicochemical variation, residue mobility, and thermodynamic stability) indicates that this missense variant is not expected to disrupt PLEC protein function with a negative predictive value of 80%. In summary, the available evidence is currently insufficient to determine the role of this variant in disease. Therefore, it has been classified as a Variant of Uncertain Significance.

Department of Pathology and Laboratory Medicine, Sinai Health System
Classification: Uncertain significance for Epidermolysis bullosa simplex, Ogna type; Epidermolysis bullosa simplex 5B, with muscular dystrophy; Junctional epidermolysis bullosa with pyloric atresia; Epidermolysis bullosa simplex 5C, with pyloric atresia; Autosomal recessive limb-girdle muscular dystrophy type 2Q; Epidermolysis bullosa simplex with nail dystrophy. Last evaluated: 2021-09-11. Review status: criteria provided, single submitter. Criteria: ACMG Guidelines, 2015. Collection method: research. Allele origin: germline.

Eurofins Ntd Llc (ga)
Classification: Uncertain significance. Last evaluated: 2016-08-26. Review status: criteria provided, single submitter. Criteria: EGL Classification Definitions 2015. Collection method: clinical testing. Allele origin: germline. Observed: 1 variant allele, 1 heterozygote.